The following is an entry in ClinVar:

NM_001308093.3(GATA4):c.1000+200G>A

Gene: GATA4 (GATA binding protein 4). Cytogenetic location: 8p23.1.
Variant type: single nucleotide variant.
Coding change: c.1000+200G>A on transcript NM_001308093.3 (MANE Select); 200 bases into the intron after coding-DNA position 1000, G replaced by A.
Molecular consequence: intron variant.
Genome position (GRCh38, 1-based): chr8:11,755,333, G>A. VCF-style: chr8-11755333-G-A. GRCh37 (hg19) VCF-style: chr8-11612842-G-A.
Other names: c.379+200G>A (NM_001308094.2, NM_001374273.1); c.997+200G>A (NM_002052.5); c.253+200G>A (NM_001374274.1).
Identifiers: ClinVar variation 433020 (VCV000433020.6), dbSNP rs3729851, ClinGen allele CA12829819.

ClinVar aggregate classification (germline): Benign. Review status: criteria provided, single submitter (1 of 4 stars). 3 submissions from 3 submitters: Benign (1). 2 of the submissions do not count toward it. Last evaluated 2018-09-11.

Conditions:
Congenital heart disease (CHD). Identifiers: MedGen C0152021, MONDO:0005453. Disease mechanism: unknown.

Allele frequency attached by ClinVar (database versions not stated): 1000 Genomes Project 0.05751; 1000 Genomes Project 30x 0.06121; TOPMed 0.09052; gnomAD 0.09324 and 0.09369.
gnomAD v4.1: 14,185 of 152,242 alleles (9.3%); highest among the groups gnomAD compares: Non-Finnish European, 14%; 911 homozygotes.

Submissions (3):

GeneDx
Classification: Benign. Last evaluated: 2018-09-11. Review status: criteria provided, single submitter. Criteria: GeneDx Variant Classification Process June 2021. Collection method: clinical testing. Allele origin: germline. Affected: yes.

Reproductive Health Research and Development, BGI Genomics
Classification: Benign for Congenital heart disease. Last evaluated: 2020-01-06. Review status: no assertion criteria provided. Collection method: curation. Allele origin: germline. Not counted in ClinVar's aggregate classification.
Comment: NG_008177.2(NM_002052.4):c.997+200G>A in the gene GATA4 has an allele frequency of 0.138 in European (non-Finnish) subpopulation in the gnomAD database. 152 homozygous occurrences are observed in the gnomAD database. This evidence suggests the variant to be classified as benign. ACMG/AMP criteria applied: BA1, BS2.

Central Research Laboratory, Sri Devaraj Urs Academy of Higher Education and Research
Classification: Pathogenic for Congenital heart disease. Last evaluated: 2017-01-07. Review status: no assertion criteria provided. Collection method: clinical testing. Allele origin: unknown. Affected: yes. Observed: 3 variant alleles. Not counted in ClinVar's aggregate classification.
Comment: This variant, NG_008177.2:g.83415G>A, leads to the disruption of SF2/ASF2 ISE binding motif and also formation of SRp40 ISE binding motif and ISS binding motif 3.

Literature cited by the submitters: PubMed 27426723 (cited by Central Research Laboratory, Sri Devaraj Urs Academy of Higher Education and Research).